The following is an entry in ClinVar:

NM_020975.6(RET):c.3039+11_3039+12delinsTC

Gene: RET (ret proto-oncogene; plus strand). Cytogenetic location: 10q11.21.
Variant type: Indel.
Coding change: c.3039+11_3039+12delinsTC on transcript NM_020975.6 (MANE Select); bases 11 to 12 of the intron after coding-DNA position 3039, GG replaced by TC.
Molecular consequence: intron variant.
Genome position (GRCh38, 1-based): chr10:43,124,993-43,124,994, GG replaced by TC. VCF-style: chr10-43124993-GG-TC. GRCh37 (hg19) VCF-style: chr10-43620441-GG-TC.
Other names: c.3039+11_3039+12delinsTC (NM_020630.7, NM_001406743.1, NM_001406744.1 and 2 more transcripts); c.2904+11_2904+12delinsTC (NM_001406765.1, NM_001406763.1); c.2643+11_2643+12delinsTC (NM_001406772.1, NM_001406769.1); c.2601+11_2601+12delinsTC (NM_001406773.1, NM_001406771.1); c.2142+11_2142+12delinsTC (NM_001406782.1, NM_001406780.1, NM_001406779.1 and 1 more transcripts); c.2007+11_2007+12delinsTC (NM_001406787.1); c.2022+11_2022+12delinsTC (NM_001406785.1); c.2910+11_2910+12delinsTC (NM_001406764.1, NM_001406762.1, NM_001406761.1); and 10 more.
Identifiers: ClinVar variation 2851914 (VCV002851914.3), dbSNP rs2538628729, ClinGen allele CA2739265347.

ClinVar aggregate classification (germline): Uncertain significance (1 of 4 stars; one submission).

Conditions:
Multiple endocrine neoplasia, type 2 (MEN2). Identifiers: Orphanet 653, MedGen C4048306, MONDO:0019003. Disease mechanism: gain of function.

Submission:

Labcorp Genetics (formerly Invitae), Labcorp
Classification: Uncertain significance for Multiple endocrine neoplasia, type 2. Last evaluated: 2026-01-28. Review status: criteria provided, single submitter. Criteria: Invitae Variant Classification Sherloc (09022015). Collection method: clinical testing. Allele origin: germline.
Comment: This sequence change falls in intron 18 of the RET gene. It does not directly change the encoded amino acid sequence of the RET protein. Information on the frequency of this variant in the gnomAD database is not available, as this variant may be reported differently in the database. This variant has not been reported in the literature in individuals affected with RET-related conditions. ClinVar contains an entry for this variant (Variation ID: 2851914). Experimental studies and prediction algorithms are not available or were not evaluated, and the effect of this variant on mRNA splicing is currently unknown. In summary, the available evidence is currently insufficient to determine the role of this variant in disease. Therefore, it has been classified as a Variant of Uncertain Significance.